The following is an entry in ClinVar:

ClinVar aggregate classification (germline): Uncertain significance (1 of 4 stars; one submission).

Conditions:
Long QT syndrome (LQTS). Identifiers: MedGen C0023976, MeSH D008133, MONDO:0002442. Disease mechanism: loss of function. Inheritance: Various modes of inheritance.

gnomAD v4.1: 6 of 1,613,468 alleles (0.00037%); highest among the groups gnomAD compares: Non-Finnish European, 0.00042%; no homozygotes.

Submission:

Labcorp Genetics (formerly Invitae), Labcorp
Classification: Uncertain significance for Long QT syndrome. Last evaluated: 2024-10-10. Review status: criteria provided, single submitter. Criteria: Invitae Variant Classification Sherloc (09022015). Collection method: clinical testing. Allele origin: germline.
Comment: This sequence change replaces arginine, which is basic and polar, with glutamine, which is neutral and polar, at codon 102 of the CACNA1C protein (p.Arg102Gln). This variant is present in population databases (no rsID available, gnomAD 0.01%). This variant has not been reported in the literature in individuals affected with CACNA1C-related conditions. Invitae Evidence Modeling of protein sequence and biophysical properties (such as structural, functional, and spatial information, amino acid conservation, physicochemical variation, residue mobility, and thermodynamic stability) indicates that this missense variant is expected to disrupt CACNA1C protein function with a positive predictive value of 80%. In summary, the available evidence is currently insufficient to determine the role of this variant in disease. Therefore, it has been classified as a Variant of Uncertain Significance.

NM_000719.7(CACNA1C):c.305G>A (p.Arg102Gln)

Gene: CACNA1C (calcium voltage-gated channel subunit alpha1 C; plus strand). Cytogenetic location: 12p13.33.
Variant type: single nucleotide variant.
Coding change: c.305G>A on transcript NM_000719.7 (MANE Select); coding-DNA position 305, G replaced by A.
Protein change: p.Arg102Gln; replaces arginine 102 with glutamine.
Molecular consequence: missense variant.
Genome position (GRCh38, 1-based): chr12:2,115,479, G>A. VCF-style: chr12-2115479-G-A. GRCh37 (hg19) VCF-style: chr12-2224645-G-A.
Other names: c.305G>A, p.Arg102Gln (NM_001129827.2, NM_001129829.2, NM_001129830.3 and 19 more transcripts); short protein forms R102Q.
Identifiers: ClinVar variation 3647254 (VCV003647254.1).